The following is an entry in ClinVar:

ClinVar aggregate classification (germline): Likely pathogenic (1 of 4 stars; one submission).

Conditions:
Parenti-mignot neurodevelopmental syndrome. Identifiers: MedGen C5676984, MONDO:0859249, OMIM 619873.

Submission:

Institute of Immunology and Genetics Kaiserslautern
Classification: Likely pathogenic for Parenti-mignot neurodevelopmental syndrome. Last evaluated: 2024-05-02. Review status: criteria provided, single submitter. Criteria: ACMG Guidelines, 2015. Collection method: clinical testing. Allele origin: de novo. Affected: yes.
Comment: ACMG Criteria: PM2, PS2; Variant was found in heterozygous state

NM_015557.3(CHD5):c.5596_5597delinsTT (p.Glu1866Leu)

Gene: CHD5 (chromodomain helicase DNA binding protein 5; minus strand). Cytogenetic location: 1p36.31.
Variant type: Indel.
Coding change: c.5596_5597delinsTT on transcript NM_015557.3 (MANE Select); coding-DNA positions 5596 to 5597, GA replaced by TT.
Protein change: p.Glu1866Leu; replaces glutamic acid 1866 with leucine.
Molecular consequence: missense variant.
Genome position (GRCh38, 1-based): chr1:6,106,761-6,106,762, TC replaced by AA on the plus strand (GA replaced by TT on the coding strand, the reverse complement: CHD5 is on the minus strand). VCF-style: chr1-6106761-TC-AA. GRCh37 (hg19) VCF-style: chr1-6166821-TC-AA.
Other names: short protein forms E1866L.
Identifiers: ClinVar variation 3251946 (VCV003251946.1), dbSNP rs2525311581.
Genomic context (GRCh38, chr1:6,106,761, plus strand): 5'-GGGATGCGGGACAGCATGGATGGCAGCCGGGTCACGTCGGCCTTCATGTCGCTCAGCAGC[TC>AA]CTCCAGCTGGTTCAGGACTGTGGTGGGAGGCGGAGGGATGGTAGGATGCAGGGATGGAGG-3'
Protein context (NP_056372.1, residues 1856-1876): VLHKVLNQLE[Glu1866Leu]LLSDMKADVT